The following is an entry in ClinVar:

ClinVar aggregate classification (germline): Uncertain significance (1 of 4 stars; one submission).

Allele frequency attached by ClinVar (database versions not stated): gnomAD exomes below 0.00001; gnomAD 0.00001; TOPMed 0.00002.
gnomAD v4.1: 6 of 1,613,606 alleles (0.00037%); highest among the groups gnomAD compares: African/African-American, 0.0067%; no homozygotes.

Submission:

Labcorp Genetics (formerly Invitae), Labcorp
Classification: Uncertain significance. Last evaluated: 2022-08-16. Review status: criteria provided, single submitter. Criteria: Invitae Variant Classification Sherloc (09022015). Collection method: clinical testing. Allele origin: germline.
Comment: In summary, the available evidence is currently insufficient to determine the role of this variant in disease. Therefore, it has been classified as a Variant of Uncertain Significance. Algorithms developed to predict the effect of sequence changes on RNA splicing suggest that this variant may create or strengthen a splice site. This variant has not been reported in the literature in individuals affected with DLL1-related conditions. This variant is present in population databases (no rsID available, gnomAD 0.007%). This sequence change falls in intron 4 of the DLL1 gene. It does not directly change the encoded amino acid sequence of the DLL1 protein.

NM_005618.4(DLL1):c.670+18C>T

Gene: DLL1 (delta like canonical Notch ligand 1; minus strand). Cytogenetic location: 6q27.
Variant type: single nucleotide variant.
Coding change: c.670+18C>T on transcript NM_005618.4 (MANE Select); 18 bases into the intron after coding-DNA position 670, C replaced by T.
Molecular consequence: intron variant.
Genome position (GRCh38, 1-based): chr6:170,288,221, G>A on the plus strand (C>T on the coding strand, the complement: DLL1 is on the minus strand). VCF-style: chr6-170288221-G-A. GRCh37 (hg19) VCF-style: chr6-170597309-G-A.
Identifiers: ClinVar variation 1944108 (VCV001944108.5), dbSNP rs1322905274, ClinGen allele CA572352717.